The following is an entry in ClinVar:

NM_080425.4(GNAS):c.854C>T (p.Ser285Phe)

Gene: GNAS (GNAS complex locus; plus strand). Cytogenetic location: 20q13.32.
Variant type: single nucleotide variant.
Coding change: c.854C>T on transcript NM_080425.4 (MANE Plus Clinical); coding-DNA position 854, C replaced by T.
Protein change: p.Ser285Phe; replaces serine 285 with phenylalanine.
Molecular consequence: missense variant. On other transcripts: intron variant (3), genic upstream transcript variant (1).
Genome position (GRCh38, 1-based): chr20:58,854,119, C>T. VCF-style: chr20-58854119-C-T. GRCh37 (hg19) VCF-style: chr20-57429174-C-T.
Other names: c.667C>T, p.Pro223Ser (NM_001077490.3, NM_001309883.1); c.854C>T, p.Ser285Phe (NM_001410913.1); c.*42+13233C>T (NM_016592.5); c.43+13233C>T (NM_001410912.1); c.-39+12244C>T (NM_001309861.2); c.-37608C>T (NM_000516.7); short protein forms P223S, S285F.
Identifiers: ClinVar variation 3040250 (VCV003040250.5), dbSNP rs202104005, ClinGen allele CA9926569.
Genomic context (GRCh38, chr20:58,854,119, plus strand): 5'-GCCTCACTCCCGCCGCGAACGCGCCTCCCCTCTGGGTCCCAGGCGCCATCGGCAGCCCAT[C>T]CCAAGAGGCTGTCAGACCTCCTTCTAACTTCACGGGCAGCAGCCCCTGGATGGAGATCTC-3'
Protein context (NP_536350.2, residues 275-295): LWVPGAIGSP[Ser285Phe]QEAVRPPSNF

ClinVar aggregate classification (germline): Uncertain significance. Review status: criteria provided, multiple submitters, no conflicts (2 of 4 stars). 3 submissions from 3 submitters: Uncertain significance (3). Last evaluated 2026-05-14.

Conditions:
GNAS-related disorder. Identifiers: MedGen CN380105.

Allele frequency attached by ClinVar (database versions not stated): ExAC 0.00003; gnomAD exomes 0.00004; gnomAD 0.00005; ESP Exome Variant Server 0.00017.
gnomAD v4.1: 71 of 1,612,210 alleles (0.0044%); highest among the groups gnomAD compares: Middle Eastern, 0.033%; no homozygotes.

Submissions (3):

PreventionGenetics, part of Exact Sciences
Classification: Uncertain significance for GNAS-related condition. Last evaluated: 2026-05-14. Review status: criteria provided, single submitter. Criteria: ACMG Guidelines, 2015. Collection method: clinical testing. Allele origin: germline.
Comment: The GNAS c.854C>T variant is predicted to result in the amino acid substitution p.Ser285Phe. This variant is pre-coding c.-37608C>T in the primary transcript NM_000516. To our knowledge, this variant has not been reported in the literature. This variant is reported in 0.0044% of alleles in individuals of African descent in gnomAD. At this time, the clinical significance of this variant is uncertain due to the absence of conclusive functional and genetic evidence.

Women's Health and Genetics/Laboratory Corporation of America, LabCorp
Classification: Uncertain significance. Last evaluated: 2025-05-13. Review status: criteria provided, single submitter. Criteria: LabCorp Variant Classification Summary - May 2015. Collection method: clinical testing. Allele origin: germline.
Comment: Variant summary: GNAS c.-37608C>T is located in the untranscribed region upstream of the GNAS gene region. However, this variant is also known as c.854C>T (p.S285F) in an alternate transcript NM_080425.4. The variant allele was found at a frequency of 4.4e-05 in 1612210 control chromosomes. This frequency is not significantly higher than estimated for a pathogenic variant in GNAS causing GNAS-Related Disorders, allowing no conclusion about variant significance. To our knowledge, no occurrence of c.-37608C>T in individuals affected with GNAS-Related Disorders and no experimental evidence demonstrating its impact on protein function have been reported. ClinVar contains an entry for this variant (Variation ID: 3040250). Based on the evidence outlined above, the variant was classified as uncertain significance.

Blueprint Genetics
Classification: Uncertain significance. Last evaluated: 2024-10-23. Review status: criteria provided, single submitter. Criteria: ACMG Guidelines, 2015. Collection method: clinical testing. Allele origin: germline.